The following is an entry in ClinVar:

NM_018076.5(ODAD2):c.2119C>T (p.Arg707Trp)

Gene: ODAD2 (outer dynein arm docking complex subunit 2; minus strand). Cytogenetic location: 10p12.1.
Variant type: single nucleotide variant.
Coding change: c.2119C>T on transcript NM_018076.5 (MANE Select); coding-DNA position 2119, C replaced by T.
Protein change: p.Arg707Trp; replaces arginine 707 with tryptophan.
Molecular consequence: missense variant.
Genome position (GRCh38, 1-based): chr10:27,936,859, G>A on the plus strand (C>T on the coding strand, the complement: ODAD2 is on the minus strand). VCF-style: chr10-27936859-G-A. GRCh37 (hg19) VCF-style: chr10-28225788-G-A.
Other names: c.2119C>T, p.Arg707Trp (NM_001290020.2); c.694C>T, p.Arg232Trp (NM_001290021.2); c.1195C>T, p.Arg399Trp (NM_001312689.2); short protein forms R707W, R399W, R232W.
Identifiers: ClinVar variation 474579 (VCV000474579.11), dbSNP rs145133998, ClinGen allele CA5453296.

ClinVar aggregate classification (germline): Uncertain significance. Review status: criteria provided, multiple submitters, no conflicts (2 of 4 stars). 3 submissions from 3 submitters: Uncertain significance (3). Last evaluated 2025-08-21.

Conditions:
Primary ciliary dyskinesia 23 (CILD23). Also called: CILIARY DYSKINESIA, PRIMARY, 23, WITH OR WITHOUT SITUS INVERSUS. Identifiers: Orphanet 244, MedGen C3809548, MONDO:0014193, OMIM 615451.
Primary ciliary dyskinesia. Also called: Ciliary dyskinesia. Identifiers: Orphanet 244, MedGen C0008780, MONDO:0016575, HP:0012265.

Allele frequency attached by ClinVar (database versions not stated): gnomAD 0.00011 and 0.00013; ExAC 0.00018; gnomAD exomes 0.00018; ESP Exome Variant Server 0.00023; TOPMed 0.00027; 1000 Genomes Project 30x 0.00078; 1000 Genomes Project 0.00080.
gnomAD v4.1: 346 of 1,611,276 alleles (0.021%); highest among the groups gnomAD compares: Non-Finnish European, 0.026%; no homozygotes.

Submissions (3):

Ambry Genetics
Classification: Uncertain significance for Primary ciliary dyskinesia. Last evaluated: 2025-08-21. Review status: criteria provided, single submitter. Criteria: Ambry Variant Classification Scheme 2023. Collection method: clinical testing. Allele origin: germline.

Blueprint Genetics
Classification: Uncertain significance. Last evaluated: 2024-07-02. Review status: criteria provided, single submitter. Criteria: ACMG Guidelines, 2015. Collection method: clinical testing. Allele origin: germline.

Labcorp Genetics (formerly Invitae), Labcorp
Classification: Uncertain significance for Primary ciliary dyskinesia 23. Last evaluated: 2022-02-04. Review status: criteria provided, single submitter. Criteria: Invitae Variant Classification Sherloc (09022015). Collection method: clinical testing. Allele origin: germline.
Comment: This sequence change replaces arginine, which is basic and polar, with tryptophan, which is neutral and slightly polar, at codon 707 of the ARMC4 protein (p.Arg707Trp). This variant is present in population databases (rs145133998, gnomAD 0.03%). This variant has not been reported in the literature in individuals affected with ARMC4-related conditions. ClinVar contains an entry for this variant (Variation ID: 474579). Algorithms developed to predict the effect of missense changes on protein structure and function are either unavailable or do not agree on the potential impact of this missense change (SIFT: "Deleterious"; PolyPhen-2: "Probably Damaging"; Align-GVGD: "Class C0"). In summary, the available evidence is currently insufficient to determine the role of this variant in disease. Therefore, it has been classified as a Variant of Uncertain Significance.